The following is an entry in ClinVar:

NM_172364.5(CACNA2D4):c.2566A>G (p.Met856Val)

Gene: CACNA2D4 (calcium voltage-gated channel auxiliary subunit alpha2delta 4; minus strand). Cytogenetic location: 12p13.33.
Variant type: single nucleotide variant.
Coding change: c.2566A>G on transcript NM_172364.5 (MANE Select); coding-DNA position 2566, A replaced by G.
Protein change: p.Met856Val; replaces methionine 856 with valine.
Molecular consequence: missense variant.
Genome position (GRCh38, 1-based): chr12:1,811,709, T>C on the plus strand (A>G on the coding strand, the complement: CACNA2D4 is on the minus strand). VCF-style: chr12-1811709-T-C. GRCh37 (hg19) VCF-style: chr12-1920875-T-C.
Other names: short protein forms M856V.
Identifiers: ClinVar variation 422134 (VCV000422134.10), dbSNP rs776233712, ClinGen allele CA6386304.

ClinVar aggregate classification (germline): Uncertain significance. Review status: criteria provided, multiple submitters, no conflicts (2 of 4 stars). 3 submissions from 3 submitters: Uncertain significance (3). Last evaluated 2022-02-05.

Allele frequency attached by ClinVar (database versions not stated): ExAC below 0.00001; gnomAD exomes below 0.00001 and 0.00001; TOPMed below 0.00001; gnomAD 0.00001.
gnomAD v4.1: 3 of 1,559,846 alleles (0.00019%); highest among the groups gnomAD compares: East Asian, 0.0072%; no homozygotes.

Submissions (3):

Labcorp Genetics (formerly Invitae), Labcorp
Classification: Uncertain significance. Last evaluated: 2022-02-05. Review status: criteria provided, single submitter. Criteria: Invitae Variant Classification Sherloc (09022015). Collection method: clinical testing. Allele origin: germline.
Comment: This variant is present in population databases (rs776233712, gnomAD 0.009%). In summary, the available evidence is currently insufficient to determine the role of this variant in disease. Therefore, it has been classified as a Variant of Uncertain Significance. Algorithms developed to predict the effect of missense changes on protein structure and function output the following: SIFT: "Tolerated"; PolyPhen-2: "Benign"; Align-GVGD: "Class C0". The valine amino acid residue is found in multiple mammalian species, which suggests that this missense change does not adversely affect protein function. ClinVar contains an entry for this variant (Variation ID: 422134). This variant has not been reported in the literature in individuals affected with CACNA2D4-related conditions. This sequence change replaces methionine, which is neutral and non-polar, with valine, which is neutral and non-polar, at codon 856 of the CACNA2D4 protein (p.Met856Val).

Blueprint Genetics
Classification: Uncertain significance. Last evaluated: 2020-05-14. Review status: criteria provided, single submitter. Criteria: ACMG Guidelines, 2015. Collection method: clinical testing. Allele origin: germline.

GeneDx
Classification: Uncertain significance. Last evaluated: 2016-09-08. Review status: criteria provided, single submitter. Criteria: GeneDx Variant Classification (06012015). Collection method: clinical testing. Allele origin: germline. Affected: yes.
Comment: The M856V variant in the CACNA2D4 gene has not been reported previously as a pathogenic variant, nor as a benign variant, to our knowledge. The M856V variant was not observed in approximately 5,900 individuals of European and African American ancestry in the NHLBI Exome Sequencing Project, indicating it is not a common benign variant in these populations. The M856V variant is a conservative amino acid substitution, which is not likely to impact secondary protein structure as these residues share similar properties. This substitution occurs at a position where amino acids with similar properties to Methionine are tolerated across species. In silico analysis is inconsistent in its predictions as to whether or not the variant is damaging to the protein structure/function. We interpret M856V as a variant of uncertain significance.